The following is an entry in ClinVar:

NM_030653.4(DDX11):c.1763-15G>C

Gene: DDX11 (DEAD/H-box helicase 11; plus strand). Cytogenetic location: 12p11.21.
Variant type: single nucleotide variant.
Coding change: c.1763-15G>C on transcript NM_030653.4 (MANE Select); 15 bases into the intron before coding-DNA position 1763, G replaced by C.
Molecular consequence: intron variant.
Genome position (GRCh38, 1-based): chr12:31,097,870, G>C. VCF-style: chr12-31097870-G-C. GRCh37 (hg19) VCF-style: chr12-31250804-G-C.
Other names: c.1763-15G>C (NM_001413693.1, NM_152438.2, NM_004399.3 and 5 more transcripts); c.902-15G>C (NM_001413705.1, NM_001413704.1); c.797-15G>C (NM_001413706.1); c.1676-15G>C (NM_001413700.1); c.1235-15G>C (NM_001413702.1, NM_001413703.1); c.1685-15G>C (NM_001413697.1, NM_001413699.1, NM_001257145.2 and 1 more transcripts).
Identifiers: ClinVar variation 3382658 (VCV003382658.2).

ClinVar aggregate classification (germline): Uncertain significance (1 of 4 stars; one submission).

Conditions:
Warsaw breakage syndrome (WABS). Also called: DDX11-Related Cohesinopathy. Identifiers: Orphanet 280558, MedGen C3150658, MONDO:0013252, OMIM 613398.

Submission:

Juno Genomics, Hangzhou Juno Genomics, Inc
Classification: Uncertain significance for Warsaw breakage syndrome. Review status: criteria provided, single submitter. Criteria: ACMG Guidelines, 2015. Collection method: clinical testing. Allele origin: germline. Affected: yes.
Comment: Absent from controls (or at extremely low frequency if recessive) in Genome Aggregation Database, Exome Sequencing Project, 1000 Genomes Project, or Exome Aggregation Consortium.;For recessive disorders, detected in trans with a pathogenic variant.